The following is an entry in ClinVar:

NM_003380.5(VIM):c.1024C>G (p.Arg342Gly)

Gene: VIM (vimentin; plus strand). Cytogenetic location: 10p13.
Variant type: single nucleotide variant.
Coding change: c.1024C>G on transcript NM_003380.5 (MANE Select); coding-DNA position 1024, C replaced by G.
Protein change: p.Arg342Gly; replaces arginine 342 with glycine.
Molecular consequence: missense variant.
Genome position (GRCh38, 1-based): chr10:17,235,184, C>G. VCF-style: chr10-17235184-C-G. GRCh37 (hg19) VCF-style: chr10-17277183-C-G.
Other names: short protein forms R342G.
Identifiers: ClinVar variation 2015068 (VCV002015068.4), dbSNP rs771168882, ClinGen allele CA376180338.

ClinVar aggregate classification (germline): Uncertain significance (1 of 4 stars; one submission).

Conditions:
Cataract 30 (CTRCT30). Also called: CATARACT 30, PULVERULENT. Identifiers: Orphanet 91492, Orphanet 98984, Orphanet 98992, MedGen C3805411, MONDO:0007286, OMIM 116300.

Submission:

Labcorp Genetics (formerly Invitae), Labcorp
Classification: Uncertain significance for Cataract 30. Last evaluated: 2022-07-08. Review status: criteria provided, single submitter. Criteria: Invitae Variant Classification Sherloc (09022015). Collection method: clinical testing. Allele origin: germline.
Comment: This sequence change replaces arginine, which is basic and polar, with glycine, which is neutral and non-polar, at codon 342 of the VIM protein (p.Arg342Gly). This variant is not present in population databases (gnomAD no frequency). In summary, the available evidence is currently insufficient to determine the role of this variant in disease. Therefore, it has been classified as a Variant of Uncertain Significance. Algorithms developed to predict the effect of missense changes on protein structure and function (SIFT, PolyPhen-2, Align-GVGD) all suggest that this variant is likely to be disruptive. This variant has not been reported in the literature in individuals affected with VIM-related conditions.